The following is an entry in ClinVar:

NC_000013.10:g.(?_50125442)_(50126441_?)del

Gene: RCBTB1 (RCC1 and BTB domain containing protein 1; minus strand). Cytogenetic location: 13q14.2.
Variant type: Deletion.
Identifiers: ClinVar variation 1460370 (VCV001460370.7).

ClinVar aggregate classification (germline): Pathogenic (1 of 4 stars; one submission).

Submission:

Labcorp Genetics (formerly Invitae), Labcorp
Classification: Pathogenic. Last evaluated: 2023-08-17. Review status: criteria provided, single submitter. Criteria: Invitae Variant Classification Sherloc (09022015). Collection method: clinical testing. Allele origin: germline.
Comment: This variant is a gross deletion of the genomic region encompassing exon(s) 7-8 of the RCBTB1 gene. This deletion is out-of-frame, and is expected to create a premature termination codon and result in an absent or disrupted protein product. Loss-of-function variants in RCBTB1 are known to be pathogenic (PMID: 31494449). This variant has not been reported in the literature in individuals affected with RCBTB1-related conditions. For these reasons, this variant has been classified as Pathogenic.

Literature cited by the submitters: PubMed 31494449.